The following is an entry in ClinVar:

ClinVar aggregate classification (germline): Benign. Review status: criteria provided, multiple submitters, no conflicts (2 of 4 stars). 2 submissions from 2 submitters: Benign (2). Last evaluated 2026-01-06.

Conditions:
Cataract 3 multiple types. Also called: CATARACT 3, MULTIPLE TYPES, WITH OR WITHOUT MICROCORNEA. Identifiers: Orphanet 1377, MedGen C1832175, MONDO:0011104, OMIM 601547.

Allele frequency attached by ClinVar (database versions not stated): ESP Exome Variant Server 0.00015; gnomAD 0.00205 and 0.00294; gnomAD exomes 0.00208 and 0.00581; TOPMed 0.00280; ExAC 0.00533; 1000 Genomes Project 30x 0.01234; 1000 Genomes Project 0.01378.
gnomAD v4.1: 3,552 of 1,613,458 alleles (0.22%); highest among the groups gnomAD compares: East Asian, 7%; 128 homozygotes.

Submissions (2):

Labcorp Genetics (formerly Invitae), Labcorp
Classification: Benign for Cataract 3 multiple types. Last evaluated: 2026-01-06. Review status: criteria provided, single submitter. Criteria: Invitae Variant Classification Sherloc (09022015). Collection method: clinical testing. Allele origin: germline.

GeneDx
Classification: Benign. Last evaluated: 2018-05-16. Review status: criteria provided, single submitter. Criteria: GeneDx Variant Classification (06012015). Collection method: clinical testing. Allele origin: germline. Affected: yes.
Comment: This variant is considered likely benign or benign based on one or more of the following criteria: it is a conservative change, it occurs at a poorly conserved position in the protein, it is predicted to be benign by multiple in silico algorithms, and/or has population frequency not consistent with disease.

NM_000496.3(CRYBB2):c.40T>A (p.Ser14Thr)

Gene: CRYBB2 (crystallin beta B2; plus strand). Cytogenetic location: 22q11.23.
Variant type: single nucleotide variant.
Coding change: c.40T>A on transcript NM_000496.3 (MANE Select); coding-DNA position 40, T replaced by A.
Protein change: p.Ser14Thr; replaces serine 14 with threonine.
Molecular consequence: missense variant.
Genome position (GRCh38, 1-based): chr22:25,221,469, T>A. VCF-style: chr22-25221469-T-A. GRCh37 (hg19) VCF-style: chr22-25617436-T-A.
Other names: short protein forms S14T.
Identifiers: ClinVar variation 667923 (VCV000667923.10), dbSNP rs117457580, ClinGen allele CA10157904.